The following is an entry in ClinVar:

ClinVar aggregate classification (germline): Uncertain significance (1 of 4 stars; one submission).

Conditions:
MHC class I deficiency. Identifiers: Orphanet 34592, MedGen C6024714, MONDO:0011476.

Allele frequency attached by ClinVar (database versions not stated): gnomAD 0.00001; gnomAD exomes 0.00001; TOPMed 0.00001; ExAC 0.00003.
gnomAD v4.1: 13 of 1,613,002 alleles (0.00081%); highest among the groups gnomAD compares: South Asian, 0.0022%; no homozygotes.

Submission:

Labcorp Genetics (formerly Invitae), Labcorp
Classification: Uncertain significance for MHC class I deficiency 1. Last evaluated: 2021-03-08. Review status: criteria provided, single submitter. Criteria: Invitae Variant Classification Sherloc (09022015). Collection method: clinical testing. Allele origin: germline.
Comment: This sequence change replaces arginine with cysteine at codon 480 of the TAP2 protein (p.Arg480Cys). The arginine residue is moderately conserved and there is a large physicochemical difference between arginine and cysteine. This variant is present in population databases (rs776413811, ExAC 0.006%). This variant has not been reported in the literature in individuals with TAP2-related conditions. Algorithms developed to predict the effect of missense changes on protein structure and function output the following: SIFT: "Tolerated"; PolyPhen-2: "Not Available"; Align-GVGD: "Class C0". The cysteine amino acid residue is found in multiple mammalian species, suggesting that this missense change does not adversely affect protein function. These predictions have not been confirmed by published functional studies and their clinical significance is uncertain. In summary, the available evidence is currently insufficient to determine the role of this variant in disease. Therefore, it has been classified as a Variant of Uncertain Significance.

NM_001290043.2(TAP2):c.1438C>T (p.Arg480Cys)

Gene: TAP2 (transporter 2, ATP binding cassette subfamily B member; minus strand). Cytogenetic location: 6p21.32.
Variant type: single nucleotide variant.
Coding change: c.1438C>T on transcript NM_001290043.2 (MANE Select); coding-DNA position 1438, C replaced by T.
Protein change: p.Arg480Cys; replaces arginine 480 with cysteine.
Molecular consequence: missense variant.
Genome position (GRCh38, 1-based): chr6:32,830,641, G>A on the plus strand (C>T on the coding strand, the complement: TAP2 is on the minus strand). VCF-style: chr6-32830641-G-A. GRCh37 (hg19) VCF-style: chr6-32798418-G-A.
Other names: c.1438C>T, p.Arg480Cys (NM_000544.3, NM_018833.3); short protein forms R480C.
Identifiers: ClinVar variation 1016123 (VCV001016123.8), dbSNP rs776413811, ClinGen allele CA3745913.